The following is an entry in ClinVar:

NM_001005498.4(RHBDF2):c.1021G>A (p.Gly341Ser)

Gene: RHBDF2 (rhomboid 5 homolog 2; minus strand). Cytogenetic location: 17q25.1.
Variant type: single nucleotide variant.
Coding change: c.1021G>A on transcript NM_001005498.4 (MANE Select); coding-DNA position 1021, G replaced by A.
Protein change: p.Gly341Ser; replaces glycine 341 with serine.
Molecular consequence: missense variant. On other transcripts: non-coding transcript variant (3).
Genome position (GRCh38, 1-based): chr17:76,476,924, C>T on the plus strand (G>A on the coding strand, the complement: RHBDF2 is on the minus strand). VCF-style: chr17-76476924-C-T. GRCh37 (hg19) VCF-style: chr17-74473006-C-T.
Other names: c.1021G>A, p.Gly341Ser (NM_001376228.1, NM_001376229.1, NM_001376230.1); c.1108G>A, p.Gly370Ser (NM_024599.5); short protein forms G370S, G341S.
Identifiers: ClinVar variation 3945474 (VCV003945474.2).

ClinVar aggregate classification (germline): Uncertain significance. Review status: criteria provided, multiple submitters, no conflicts (2 of 4 stars). 2 submissions from 2 submitters: Uncertain significance (2). Last evaluated 2025-10-16.

Conditions:
Inborn genetic diseases. Identifiers: MedGen C0950123, MeSH D030342.

gnomAD v4.1: 6 of 1,613,860 alleles (0.00037%); highest among the groups gnomAD compares: East Asian, 0.0022%; no homozygotes.

Submissions (2):

Labcorp Genetics (formerly Invitae), Labcorp
Classification: Uncertain significance. Last evaluated: 2025-10-16. Review status: criteria provided, single submitter. Criteria: Invitae Variant Classification Sherloc (09022015). Collection method: clinical testing. Allele origin: germline.
Comment: This sequence change replaces glycine, which is neutral and non-polar, with serine, which is neutral and polar, at codon 370 of the RHBDF2 protein (p.Gly370Ser). This variant is not present in population databases (gnomAD no frequency). This variant has not been reported in the literature in individuals affected with RHBDF2-related conditions. ClinVar contains an entry for this variant (Variation ID: 3945474). An algorithm developed to predict the effect of missense changes on protein structure and function (PolyPhen-2) suggests that this variant is likely to be disruptive. In summary, the available evidence is currently insufficient to determine the role of this variant in disease. Therefore, it has been classified as a Variant of Uncertain Significance.

Ambry Genetics
Classification: Uncertain significance for Inborn genetic diseases. Last evaluated: 2025-05-14. Review status: criteria provided, single submitter. Criteria: Ambry Variant Classification Scheme 2023. Collection method: clinical testing. Allele origin: germline.